The following is an entry in ClinVar:

NM_182961.4(SYNE1):c.23443A>G (p.Ile7815Val)

Gene: SYNE1 (spectrin repeat containing nuclear envelope protein 1; minus strand). Cytogenetic location: 6q25.2.
Variant type: single nucleotide variant.
Coding change: c.23443A>G on transcript NM_182961.4 (MANE Select); coding-DNA position 23443, A replaced by G.
Protein change: p.Ile7815Val; replaces isoleucine 7815 with valine.
Molecular consequence: missense variant.
Genome position (GRCh38, 1-based): chr6:152,180,153, T>C on the plus strand (A>G on the coding strand, the complement: SYNE1 is on the minus strand). VCF-style: chr6-152180153-T-C. GRCh37 (hg19) VCF-style: chr6-152501288-T-C.
Other names: c.49A>G, p.Ile17Val (NM_001347701.2); c.23230A>G, p.Ile7744Val (NM_033071.5); short protein forms I17V, I7744V, I7815V.
Identifiers: ClinVar variation 2684047 (VCV002684047.1), dbSNP rs750426894, ClinGen allele CA4053606.
Genomic context (GRCh38, chr6:152,180,153, plus strand): 5'-GCCTTATGAAGAATGAAAACCTAAGTAGCCATGCATTCCATACCTTCTTGAGCTTCTCTA[T>C]CATTTCTTCAATGAGAATGTCTCCATTCTGAGAAACTTTGCTTTCCATTTGAGTCAACCA-3'
Protein context (NP_892006.3, residues 7805-7825): QNGDILIEEM[Ile7815Val]EKLKKDYQEE

ClinVar aggregate classification (germline): Uncertain significance (1 of 4 stars; one submission).

Allele frequency attached by ClinVar (database versions not stated): TOPMed below 0.00001; gnomAD 0.00001; gnomAD exomes 0.00001; ExAC 0.00002.
gnomAD v4.1: 18 of 1,614,008 alleles (0.0011%); highest among the groups gnomAD compares: South Asian, 0.0055%; no homozygotes.

Submission:

Athena Diagnostics
Classification: Uncertain significance. Last evaluated: 2023-03-29. Review status: criteria provided, single submitter. Criteria: Athena Diagnostics Criteria. Collection method: clinical testing. Allele origin: unknown.
Comment: Available data are insufficient to determine the clinical significance of the variant at this time. The frequency of this variant in the general population is uninformative in assessment of its pathogenicity. Computational tools disagree on the variant's effect on normal protein function.